The following is an entry in ClinVar:

ClinVar aggregate classification (germline): Likely pathogenic (0 of 4 stars; one submission).

Conditions:
Congenital myasthenic syndrome (CMS). Also called: Congenital Myasthenic Syndromes. Identifiers: Orphanet 590, MedGen C0751882, MeSH D020294, MONDO:0018940.

Submission:

Department of Molecular Biology and Genetics, Al-Quds University
Classification: Likely pathogenic for Congenital myasthenic syndrome. Last evaluated: 2025-01-16. Review status: no assertion criteria provided. Collection method: clinical testing. Allele origin: inherited. Affected: yes. Observed: 1 variant allele.
Comment: This sequence change (c.1237_1238del) results in a frameshift mutation (p.Glu413Glyfs41) in the COLQ gene. The frameshift creates a premature stop codon, which is expected to cause loss of function via nonsense-mediated decay. Loss-of-function mutations in COLQ are a known mechanism for Congenital Myasthenic Syndrome with endplate acetylcholinesterase deficiency. This variant is absent from population databases (gnomAD) and has not been reported in the literature.the most common symptoms that were observed in patients with this variant are ptosis and muscle weakness.

NM_005677.4(COLQ):c.1237_1238del (p.Gly413fs)

Gene: COLQ (collagen like tail subunit of asymmetric acetylcholinesterase; minus strand). Cytogenetic location: 3p25.1.
Variant type: Deletion.
Coding change: c.1237_1238del on transcript NM_005677.4 (MANE Select); coding-DNA positions 1237 to 1238, 2 bases deleted (GG; older notation c.1237_1238delGG).
Protein change: p.Gly413fs; shifts the reading frame from glycine 413.
Molecular consequence: frameshift variant.
Genome position (GRCh38, 1-based): chr3:15,453,889-15,453,890, CC deleted on the plus strand (GG on the coding strand, the reverse complement: COLQ is on the minus strand); deleting any 2 consecutive bases within chr3:15,453,889-15,453,891 gives the same sequence; the c. name uses the placement nearest the transcript's 3' end. VCF-style (leftmost placement, unchanged base first): chr3-15453888-ACC-A. GRCh37 (hg19) VCF-style: chr3-15495395-ACC-A.
Other names: c.1207_1208del, p.Gly403fs (NM_080538.2); c.1135_1136del, p.Gly379fs (NM_080539.4); short protein forms G379fs, G403fs, G413fs.
Identifiers: ClinVar variation 3767274 (VCV003767274.1).